The following is an entry in ClinVar:

ClinVar aggregate classification (germline): Uncertain significance. Review status: criteria provided, multiple submitters, no conflicts (2 of 4 stars). 3 submissions from 3 submitters: Uncertain significance (2). 1 of the submissions does not count toward it. Last evaluated 2025-03-31.

Conditions:
Usher syndrome type 1 (USH1). Also called: RETINITIS PIGMENTOSA AND CONGENITAL DEAFNESS. Identifiers: Orphanet 231169, Orphanet 886, MedGen C1568247, MONDO:0010168, OMIM 276900.

Allele frequency attached by ClinVar (database versions not stated): ExAC 0.00001; gnomAD exomes 0.00001 and below 0.00001.
gnomAD v4.1: 3 of 1,613,760 alleles (0.00019%); highest among the groups gnomAD compares: Non-Finnish European, 0.00025%; no homozygotes.

Submissions (3):

Labcorp Genetics (formerly Invitae), Labcorp
Classification: Uncertain significance. Last evaluated: 2025-03-31. Review status: criteria provided, single submitter. Criteria: Invitae Variant Classification Sherloc (09022015). Collection method: clinical testing. Allele origin: germline.
Comment: This sequence change replaces serine, which is neutral and polar, with alanine, which is neutral and non-polar, at codon 1238 of the CDH23 protein (p.Ser1238Ala). This variant is present in population databases (rs764805425, gnomAD 0.002%). This variant has not been reported in the literature in individuals affected with CDH23-related conditions. ClinVar contains an entry for this variant (Variation ID: 667211). Invitae Evidence Modeling of protein sequence and biophysical properties (such as structural, functional, and spatial information, amino acid conservation, physicochemical variation, residue mobility, and thermodynamic stability) has been performed for this missense variant. However, the output from this modeling did not meet the statistical confidence thresholds required to predict the impact of this variant on CDH23 protein function. In summary, the available evidence is currently insufficient to determine the role of this variant in disease. Therefore, it has been classified as a Variant of Uncertain Significance.

Laboratory for Molecular Medicine, Mass General Brigham Personalized Medicine
Classification: Uncertain significance. Last evaluated: 2018-06-21. Review status: criteria provided, single submitter. Criteria: LMM Criteria. Collection method: clinical testing. Allele origin: germline. Observed: 1 variant allele.
Comment: The p.Ser1238Ala variant in CDH23 has not been previously reported in individual s with hearing loss or Usher syndrome but has been identified in 2/111506 Europe an chromosomes by the Genome Aggregation Database (gnomAD; dbSNP rs764805425). Computational prediction tools and conservation analysis suggest that the p.Ser1238Ala variant may not impact the protein, thou gh this information is not predictive enough to rule out pathogenicity. In summa ry, the clinical significance of the p.Ser1238Ala variant is uncertain. ACMG/AMP Criteria applied: PM2, BP4.

Natera, Inc.
Classification: Uncertain significance for Usher syndrome type 1. Last evaluated: 2020-11-11. Review status: no assertion criteria provided. Collection method: clinical testing. Allele origin: germline. Not counted in ClinVar's aggregate classification.

NM_022124.6(CDH23):c.3712T>G (p.Ser1238Ala)

Genes: C10orf105 (chromosome 10 open reading frame 105; minus strand), CDH23 (cadherin related 23; plus strand). Cytogenetic location: 10q22.1.
Variant type: single nucleotide variant.
Coding change: c.3712T>G on transcript NM_022124.6 (MANE Select); coding-DNA position 3712, T replaced by G.
Protein change: p.Ser1238Ala; replaces serine 1238 with alanine.
Molecular consequence: missense variant. On other transcripts: intron variant (1).
Genome position (GRCh38, 1-based): chr10:71,730,601, T>G. VCF-style: chr10-71730601-T-G. GRCh37 (hg19) VCF-style: chr10-73490358-T-G.
Other names: c.3712T>G, p.Ser1238Ala (NM_001171930.2); c.-6+7127A>C (NM_001168390.2); short protein forms S1238A.
Identifiers: ClinVar variation 667211 (VCV000667211.10), dbSNP rs764805425, ClinGen allele CA5544809.